The following is an entry in ClinVar:

ClinVar aggregate classification (germline): Uncertain significance. Review status: criteria provided, multiple submitters, no conflicts (2 of 4 stars). 2 submissions from 2 submitters: Uncertain significance (2). Last evaluated 2026-07-08.

Conditions:
LZTS1-related disorder. Also called: LZTS1-related condition.

gnomAD v4.1: 23 of 1,613,998 alleles (0.0014%); highest among the groups gnomAD compares: Middle Eastern, 0.016%; no homozygotes.

Submissions (2):

PreventionGenetics, part of Exact Sciences
Classification: Uncertain significance for LZTS1-related condition. Last evaluated: 2026-07-08. Review status: criteria provided, single submitter. Criteria: ACMG Guidelines, 2015. Collection method: clinical testing. Allele origin: germline.
Comment: The LZTS1 c.1714A>C variant is predicted to result in the amino acid substitution p.Ser572Arg. To our knowledge, this variant has not been reported in the literature. This variant is reported in 0.0098% of alleles in individuals of South Asian descent in gnomAD. At this time, the clinical significance of this variant is uncertain due to the absence of conclusive functional and genetic evidence.

Labcorp Genetics (formerly Invitae), Labcorp
Classification: Uncertain significance. Last evaluated: 2025-05-19. Review status: criteria provided, single submitter. Criteria: Invitae Variant Classification Sherloc (09022015). Collection method: clinical testing. Allele origin: germline.
Comment: This sequence change replaces serine, which is neutral and polar, with arginine, which is basic and polar, at codon 572 of the LZTS1 protein (p.Ser572Arg). This variant is present in population databases (rs759103466, gnomAD 0.006%). This variant has not been reported in the literature in individuals affected with LZTS1-related conditions. ClinVar contains an entry for this variant (Variation ID: 3617648). Invitae Evidence Modeling of protein sequence and biophysical properties (such as structural, functional, and spatial information, amino acid conservation, physicochemical variation, residue mobility, and thermodynamic stability) indicates that this missense variant is not expected to disrupt LZTS1 protein function with a negative predictive value of 80%. In summary, the available evidence is currently insufficient to determine the role of this variant in disease. Therefore, it has been classified as a Variant of Uncertain Significance.

NM_021020.5(LZTS1):c.1714A>C (p.Ser572Arg)

Gene: LZTS1 (leucine zipper tumor suppressor 1; minus strand). Cytogenetic location: 8p21.3.
Variant type: single nucleotide variant.
Coding change: c.1714A>C on transcript NM_021020.5 (MANE Select); coding-DNA position 1714, A replaced by C.
Protein change: p.Ser572Arg; replaces serine 572 with arginine.
Molecular consequence: missense variant.
Genome position (GRCh38, 1-based): chr8:20,249,799, T>G on the plus strand (A>C on the coding strand, the complement: LZTS1 is on the minus strand). VCF-style: chr8-20249799-T-G. GRCh37 (hg19) VCF-style: chr8-20107310-T-G.
Other names: c.1714A>C, p.Ser572Arg (NM_001362884.2); c.1714A>C (NM_021020.3); short protein forms S572R.
Identifiers: ClinVar variation 3617648 (VCV003617648.3).